The following is an entry in ClinVar:

ClinVar aggregate classification (germline): Uncertain significance. Review status: criteria provided, multiple submitters, no conflicts (2 of 4 stars). 2 submissions from 2 submitters: Uncertain significance (2). Last evaluated 2025-05-14.

Conditions:
Hereditary cancer-predisposing syndrome. Also called: Neoplastic Syndromes, Hereditary; Hereditary Cancer Syndrome; Hereditary neoplastic syndrome; Tumor predisposition. Identifiers: Orphanet 140162, MedGen C0027672, MeSH D009386, MONDO:0015356.
Familial adenomatous polyposis 1 (FAP1). Also called: POLYPOSIS, ADENOMATOUS INTESTINAL; FAMILIAL ADENOMATOUS POLYPOSIS 1, ATTENUATED. Identifiers: MedGen C2713442, MONDO:0021056, OMIM 175100. Disease mechanism: loss of function.

Submissions (2):

Ambry Genetics
Classification: Uncertain significance for Hereditary cancer-predisposing syndrome. Last evaluated: 2025-05-14. Review status: criteria provided, single submitter. Criteria: Ambry Variant Classification Scheme 2023. Collection method: clinical testing. Allele origin: germline.
Comment: The c.5645_5647delGAA variant (also known as p.R1882del) is located in coding exon 15 of the APC gene. This variant results from an in-frame GAA deletion at nucleotide positions 5645 to 5647. This results in the in-frame deletion of an arginine at codon 1882. This amino acid position is well conserved in available vertebrate species. In addition, this variant is predicted to be neutral by in silico analysis (Choi Y et al. PLoS ONE. 2012; 7(10):e46688). Based on the available evidence, the clinical significance of this variant remains unclear.

Labcorp Genetics (formerly Invitae), Labcorp
Classification: Uncertain significance for Familial adenomatous polyposis 1. Last evaluated: 2022-06-24. Review status: criteria provided, single submitter. Criteria: Invitae Variant Classification Sherloc (09022015). Collection method: clinical testing. Allele origin: germline.
Comment: Experimental studies and prediction algorithms are not available or were not evaluated, and the functional significance of this variant is currently unknown. In summary, the available evidence is currently insufficient to determine the role of this variant in disease. Therefore, it has been classified as a Variant of Uncertain Significance. This variant has not been reported in the literature in individuals affected with APC-related conditions. This variant is not present in population databases (gnomAD no frequency). This variant, c.5645_5647del, results in the deletion of 1 amino acid(s) of the APC protein (p.Arg1882del), but otherwise preserves the integrity of the reading frame.

NM_000038.6(APC):c.5645_5647del (p.Arg1882del)

Gene: APC (APC regulator of Wnt signaling pathway; plus strand). Cytogenetic location: 5q22.2.
Variant type: Deletion.
Coding change: c.5645_5647del on transcript NM_000038.6 (MANE Select); coding-DNA positions 5645 to 5647, 3 bases deleted (GAA; older notation c.5645_5647delGAA).
Protein change: p.Arg1882del; deletes arginine 1882.
Molecular consequence: inframe deletion. On other transcripts: inframe indel (20).
Genome position (GRCh38, 1-based): chr5:112,841,239-112,841,241, GAA deleted; deleting any 3 consecutive bases within chr5:112,841,237-112,841,241 gives the same sequence; the c. name uses the placement nearest the transcript's 3' end. VCF-style (leftmost placement, unchanged base first): chr5-112841236-TAAG-T. GRCh37 (hg19) VCF-style: chr5-112176933-TAAG-T.
Other names: c.5645_5647delGAA (NM_000038.5); c.5645_5647del, p.Arg1882del (NM_001127510.3, NM_001354895.2); c.5591_5593del, p.Arg1864del (NM_001127511.3); c.5699_5701del, p.Arg1900del (NM_001354896.2); c.5675_5677del, p.Arg1892del (NM_001354897.2); c.5570_5572del, p.Arg1857del (NM_001354898.2); c.5561_5563del, p.Arg1854del (NM_001354899.2); c.5522_5524del, p.Arg1841del (NM_001354900.2); and 17 more; short protein forms R1753del, R1841del, R1864del, R1791del, R1823del, R1872del, R1892del, R1756del.
Identifiers: ClinVar variation 2108980 (VCV002108980.5), dbSNP rs2533657582, ClinGen allele CA2580072673.